The following is an entry in ClinVar:

ClinVar aggregate classification (germline): Uncertain significance (1 of 4 stars; one submission).

Allele frequency attached by ClinVar (database versions not stated): gnomAD exomes below 0.00001.

Submission:

Ambry Genetics
Classification: Uncertain significance. Last evaluated: 2022-09-20. Review status: criteria provided, single submitter. Criteria: Ambry Variant Classification Scheme 2023. Collection method: clinical testing. Allele origin: germline.
Comment: The p.H118Q variant (also known as c.354C>G), located in coding exon 5 of the FAM175A gene, results from a C to G substitution at nucleotide position 354. The histidine at codon 118 is replaced by glutamine, an amino acid with highly similar properties. This amino acid position is conserved. In addition, the in silico prediction for this alteration is inconclusive. Since supporting evidence is limited at this time, the clinical significance of this alteration remains unclear.

NM_139076.3(ABRAXAS1):c.354C>G (p.His118Gln)

Gene: ABRAXAS1 (abraxas 1, BRCA1 A complex subunit; minus strand). Cytogenetic location: 4q21.23.
Variant type: single nucleotide variant.
Coding change: c.354C>G on transcript NM_139076.3 (MANE Select); coding-DNA position 354, C replaced by G.
Protein change: p.His118Gln; replaces histidine 118 with glutamine.
Molecular consequence: missense variant.
Genome position (GRCh38, 1-based): chr4:83,470,325, G>C on the plus strand (C>G on the coding strand, the complement: ABRAXAS1 is on the minus strand). VCF-style: chr4-83470325-G-C. GRCh37 (hg19) VCF-style: chr4-84391478-G-C.
Other names: c.27C>G, p.His9Gln (NM_001345962.2); short protein forms H118Q, H9Q.
Identifiers: ClinVar variation 1799951 (VCV001799951.2), dbSNP rs2529438241, ClinGen allele CA357259996.